The following is an entry in ClinVar:

NM_000760.4(CSF3R):c.505A>T (p.Thr169Ser)

Gene: CSF3R (colony stimulating factor 3 receptor; minus strand). Cytogenetic location: 1p34.3.
Variant type: single nucleotide variant.
Coding change: c.505A>T on transcript NM_000760.4 (MANE Select); coding-DNA position 505, A replaced by T.
Protein change: p.Thr169Ser; replaces threonine 169 with serine.
Molecular consequence: missense variant.
Genome position (GRCh38, 1-based): chr1:36,473,603, T>A on the plus strand (A>T on the coding strand, the complement: CSF3R is on the minus strand). VCF-style: chr1-36473603-T-A. GRCh37 (hg19) VCF-style: chr1-36939204-T-A.
Other names: c.505A>T, p.Thr169Ser (NM_156039.3, NM_172313.3); short protein forms T169S.
Identifiers: ClinVar variation 835045 (VCV000835045.9), dbSNP rs1650924939, ClinGen allele CA339423876.

ClinVar aggregate classification (germline): Uncertain significance (1 of 4 stars; one submission).

Conditions:
Autosomal recessive severe congenital neutropenia due to CSF3R deficiency. Also called: Neutropenia, severe congenital, 7, autosomal recessive. Identifiers: Orphanet 420702, MedGen C4310764, MONDO:0014865, OMIM 617014.

Submission:

Labcorp Genetics (formerly Invitae), Labcorp
Classification: Uncertain significance for Autosomal recessive severe congenital neutropenia due to CSF3R deficiency. Last evaluated: 2019-01-29. Review status: criteria provided, single submitter. Criteria: Invitae Variant Classification Sherloc (09022015). Collection method: clinical testing. Allele origin: germline.
Comment: In summary, the available evidence is currently insufficient to determine the role of this variant in disease. Therefore, it has been classified as a Variant of Uncertain Significance. Algorithms developed to predict the effect of missense changes on protein structure and function output the following: SIFT: "Tolerated"; PolyPhen-2: "Benign"; Align-GVGD: "Class C0". The serine amino acid residue is found in multiple mammalian species, suggesting that this missense change does not adversely affect protein function. These predictions have not been confirmed by published functional studies and their clinical significance is uncertain. This variant has not been reported in the literature in individuals with CSF3R-related conditions. This variant is not present in population databases (ExAC no frequency). This sequence change replaces threonine with serine at codon 169 of the CSF3R protein (p.Thr169Ser). The threonine residue is moderately conserved and there is a small physicochemical difference between threonine and serine.